The following is an entry in ClinVar:

NM_004423.4(DVL3):c.705C>T (p.Phe235=)

Gene: DVL3 (dishevelled segment polarity protein 3; plus strand). Cytogenetic location: 3q27.1.
Variant type: single nucleotide variant.
Coding change: c.705C>T on transcript NM_004423.4 (MANE Select); coding-DNA position 705, C replaced by T.
Protein change: p.Phe235=; no amino-acid change (phenylalanine 235 retained).
Molecular consequence: synonymous variant.
Genome position (GRCh38, 1-based): chr3:184,165,433, C>T. VCF-style: chr3-184165433-C-T. GRCh37 (hg19) VCF-style: chr3-183883221-C-T.
Other names: c.705C>T (NM_004423.3).
Identifiers: ClinVar variation 2068759 (VCV002068759.6), dbSNP rs761415739, ClinGen allele CA2727214.

ClinVar aggregate classification (germline): Likely benign. Review status: criteria provided, single submitter (1 of 4 stars). 2 submissions from 2 submitters: Likely benign (1). 1 of the submissions does not count toward it. Last evaluated 2025-04-17.

Conditions:
DVL3-related disorder. Also called: DVL3-related condition.

Allele frequency attached by ClinVar (database versions not stated): gnomAD exomes 0.00001; ExAC 0.00002; TOPMed 0.00002; gnomAD 0.00003.
gnomAD v4.1: 9 of 1,613,966 alleles (0.00056%); highest among the groups gnomAD compares: African/African-American, 0.0013%; no homozygotes.

Submissions (2):

Labcorp Genetics (formerly Invitae), Labcorp
Classification: Likely benign. Last evaluated: 2025-04-17. Review status: criteria provided, single submitter. Criteria: Invitae Variant Classification Sherloc (09022015). Collection method: clinical testing. Allele origin: germline.

PreventionGenetics, part of Exact Sciences
Classification: Likely benign for DVL3-related condition. Last evaluated: 2019-12-18. Review status: no assertion criteria provided. Collection method: clinical testing. Allele origin: germline. Not counted in ClinVar's aggregate classification.
Comment: This variant is classified as likely benign based on ACMG/AMP sequence variant interpretation guidelines (Richards et al. 2015 PMID: 25741868, with internal and published modifications).